The following is an entry in ClinVar:

ClinVar aggregate classification (germline): Benign/Likely benign. Review status: criteria provided, multiple submitters, no conflicts (2 of 4 stars). 14 submissions from 14 submitters: Benign (3); Likely benign (9). 2 of the submissions do not count toward it. Last evaluated 2026-01-31.

Conditions:
Hereditary nonpolyposis colorectal neoplasms. Identifiers: MedGen C0009405, MeSH D003123.
Breast and/or ovarian cancer. Identifiers: MedGen CN221562.
Hereditary cancer-predisposing syndrome. Also called: Tumor predisposition; Neoplastic Syndromes, Hereditary; Hereditary Cancer Syndrome; Hereditary neoplastic syndrome. Identifiers: Orphanet 140162, MedGen C0027672, MeSH D009386, MONDO:0015356.
Lynch syndrome. Identifiers: Orphanet 144, MedGen C4552100, MONDO:0005835. Disease mechanism: loss of function.
Lynch syndrome 4 (LYNCH4). Also called: Hereditary non-polyposis colorectal cancer, type 4; Colorectal cancer, hereditary nonpolyposis, type 4. Identifiers: Orphanet 144, MedGen C1838333, MONDO:0013699, OMIM 614337. Disease mechanism: loss of function.
Malignant tumor of breast. Also called: Malignant breast neoplasm; Cancer breast. Identifiers: MedGen C0006142, MONDO:0007254. Disease mechanism: loss of function.

Allele frequency attached by ClinVar (database versions not stated): gnomAD exomes 0.00007 and 0.00020; gnomAD 0.00004; TOPMed 0.00005; ExAC 0.00007.
gnomAD v4.1: 295 of 1,612,978 alleles (0.018%); highest among the groups gnomAD compares: Non-Finnish European, 0.024%; no homozygotes.

Submissions (14):

Labcorp Genetics (formerly Invitae), Labcorp
Classification: Likely benign for Hereditary nonpolyposis colorectal neoplasms. Last evaluated: 2026-01-31. Review status: criteria provided, single submitter. Criteria: Invitae Variant Classification Sherloc (09022015). Collection method: clinical testing. Allele origin: germline.

Myriad Genetics, Inc.
Classification: Benign for Lynch syndrome 4. Last evaluated: 2025-01-30. Review status: criteria provided, single submitter. Criteria: Myriad Autosomal Dominant, Autosomal Recessive and X-Linked Classification Criteria (2023). Collection method: clinical testing. Allele origin: unknown.
Comment: This variant is considered benign. This variant is a silent/synonymous amino acid change and it is not expected to impact splicing.

Blueprint Genetics
Classification: Likely benign. Last evaluated: 2024-02-15. Review status: criteria provided, single submitter. Criteria: ACMG Guidelines, 2015. Collection method: clinical testing. Allele origin: germline.

All of Us Research Program, National Institutes of Health
Classification: Likely benign for Lynch syndrome. Last evaluated: 2024-01-11. Review status: criteria provided, single submitter. Criteria: ACMG Guidelines, 2015. Collection method: clinical testing. Allele origin: germline. Inheritance: Autosomal dominant inheritance. Observed: 18 variant alleles, 18 heterozygotes.
Comment: This study involves interpretation of variants in research participants for the purpose of population health screening. Participant phenotype was not available at the time of variant classification. Additional details can be found in publication PMID: 35346344, PMCID: PMC8962531

CeGaT Center for Human Genetics Tuebingen
Classification: Likely benign. Last evaluated: 2023-05-01. Review status: criteria provided, single submitter. Criteria: CeGaT Center For Human Genetics Tuebingen Variant Classification Criteria Version 2. Collection method: clinical testing. Allele origin: germline. Affected: yes. Observed: 1 variant allele.
Comment: PMS2: BP4, BP7

CHEO Genetics Diagnostic Laboratory, Children's Hospital of Eastern Ontario
Classification: Likely benign for Breast and/or ovarian cancer. Last evaluated: 2022-07-25. Review status: criteria provided, single submitter. Criteria: ACMG Guidelines, 2015. Collection method: clinical testing. Allele origin: germline.

Women's Health and Genetics/Laboratory Corporation of America, LabCorp
Classification: Benign. Last evaluated: 2022-06-17. Review status: criteria provided, single submitter. Criteria: LabCorp Variant Classification Summary - May 2015. Collection method: clinical testing. Allele origin: germline.

Sema4
Classification: Likely benign for Hereditary cancer-predisposing syndrome. Last evaluated: 2021-04-21. Review status: criteria provided, single submitter. Criteria: Sema4 Curation Guidelines. Collection method: curation. Allele origin: germline.

ARUP Laboratories, Molecular Genetics and Genomics, ARUP Laboratories
Classification: Likely benign. Last evaluated: 2017-09-16. Review status: criteria provided, single submitter. Criteria: ARUP Molecular Germline Variant Investigation Process. Collection method: clinical testing. Allele origin: germline.
Comment: The c.1197G>A; p.Lys399Lys variant (rs757730609) does not alter the amino acid sequence of the PMS2 protein and computational splice site prediction algorithms do not predict a change in the nearest splice site or creation of a cryptic splice site. This variant has not been reported in association with any hereditary cancer syndromes in the medical literature or in gene specific variation databases. This variant is listed in the Genome Aggregation Database (gnomAD) with a frequency of 0.02 percent in the European Non-Finnish population (identified on 19 out of 125,472 chromosomes), and has been reported to the ClinVar database as a likely benign variant (Variation ID: 184060). Based on these observations, the p.Lys399Lys variant is likely to be benign.

Color Diagnostics, LLC DBA Color Health
Classification: Likely benign for Hereditary cancer-predisposing syndrome. Last evaluated: 2016-04-19. Review status: criteria provided, single submitter. Criteria: ACMG Guidelines, 2015. Collection method: clinical testing. Allele origin: germline.

GeneDx
Classification: Benign. Last evaluated: 2015-03-03. Review status: criteria provided, single submitter. Criteria: GeneDx Variant Classification Process June 2021. Collection method: clinical testing. Allele origin: germline. Affected: yes.

Ambry Genetics
Classification: Likely benign for Hereditary cancer-predisposing syndrome. Last evaluated: 2014-10-10. Review status: criteria provided, single submitter. Criteria: Ambry Variant Classification Scheme 2023. Collection method: clinical testing. Allele origin: germline.

True Health Diagnostics
Classification: Likely benign for Hereditary cancer-predisposing syndrome. Last evaluated: 2017-09-13. Review status: no assertion criteria provided. Collection method: clinical testing. Allele origin: germline. Not counted in ClinVar's aggregate classification.

Department of Pathology and Laboratory Medicine, Sinai Health System
Classification: Likely benign for Malignant tumor of breast. Review status: no assertion criteria provided. Collection method: clinical testing. Allele origin: unknown. Affected: yes. Observed: 1 variant allele. Study: The Canadian Open Genetics Repository (COGR). Not counted in ClinVar's aggregate classification.
Comment: The PMS2 p.Lys399= variant was not identified in the literature. The variant was identified in dbSNP (ID: rs757730609) as â€šÃ„ÃºWith Uncertain significance alleleâ€šÃ„Ã¹, ClinVar (as likely benign by Ambry Genetics, Invitae, Color Genomics, ARUP Laboratories, and True Health Diagnostics, and as uncertain significacne by Integrated Genetics . The variant was identified in control databases in 19 of 275194 chromosomes at a frequency of 0.000069 (Genome Aggregation Database Feb 27, 2017). The variant was observed in the following populations: European (Non-Finnish) in 19 of 125472 chromosomes (freq: 0.000151), while the variant was not observed in the African, Other, Latino, Ashkenazi Jewish, East Asian, European (Finnish), and South Asian populations. The p.Lys399= variant is not expected to have clinical significance because it does not result in a change of amino acid and is not located in a known consensus splice site. In addition, in silico or computational prediction software programs (SpliceSiteFinder, MaxEntScan, NNSPLICE, GeneSplicer) do not predict a difference in splicing. In summary, based on the above information the clinical significance of this variant cannot be determined with certainty at this time although we would lean towards a more benign role for this variant. This variant is classified as likely benign.

NM_000535.7(PMS2):c.1197G>A (p.Lys399=)

Gene: PMS2 (PMS1 homolog 2, mismatch repair system component; minus strand). Cytogenetic location: 7p22.1.
Variant type: single nucleotide variant.
Coding change: c.1197G>A on transcript NM_000535.7 (MANE Select); coding-DNA position 1197, G replaced by A.
Protein change: p.Lys399=; no amino-acid change (lysine 399 retained).
Molecular consequence: synonymous variant. On other transcripts: non-coding transcript variant (1).
Genome position (GRCh38, 1-based): chr7:5,987,568, C>T on the plus strand (G>A on the coding strand, the complement: PMS2 is on the minus strand). VCF-style: chr7-5987568-C-T. GRCh37 (hg19) VCF-style: chr7-6027199-C-T.
Other names: c.792G>A, p.Lys264= (NM_001322003.2, NM_001322004.2, NM_001322005.2 and 1 more transcripts); c.1041G>A, p.Lys347= (NM_001322006.2); c.879G>A, p.Lys293= (NM_001322007.2, NM_001322008.2); c.636G>A, p.Lys212= (NM_001322010.2); c.264G>A, p.Lys88= (NM_001322011.2, NM_001322012.2); c.624G>A, p.Lys208= (NM_001322013.2); c.1197G>A, p.Lys399= (NM_001322014.2); c.888G>A, p.Lys296= (NM_001322015.2).
Identifiers: ClinVar variation 184060 (VCV000184060.55), dbSNP rs757730609, ClinGen allele CA009309.